The following is an entry in ClinVar:

NM_003748.4(ALDH4A1):c.1226C>T (p.Ser409Phe)

Gene: ALDH4A1 (aldehyde dehydrogenase 4 family member A1; minus strand). Cytogenetic location: 1p36.13.
Variant type: single nucleotide variant.
Coding change: c.1226C>T on transcript NM_003748.4 (MANE Select); coding-DNA position 1226, C replaced by T.
Protein change: p.Ser409Phe; replaces serine 409 with phenylalanine.
Molecular consequence: missense variant. On other transcripts: intron variant (1).
Genome position (GRCh38, 1-based): chr1:18,876,427, G>A on the plus strand (C>T on the coding strand, the complement: ALDH4A1 is on the minus strand). VCF-style: chr1-18876427-G-A. GRCh37 (hg19) VCF-style: chr1-19202921-G-A.
Other names: c.1046C>T, p.Ser349Phe (NM_001161504.2); c.1226C>T, p.Ser409Phe (NM_170726.3); c.1185+781C>T (NM_001319218.2); short protein forms S409F, S349F.
Identifiers: ClinVar variation 3660619 (VCV003660619.2).

ClinVar aggregate classification (germline): Uncertain significance (1 of 4 stars; one submission).

Conditions:
Hyperprolinemia type 2 (HYRPRO2). Also called: Delta-1-pyrroline-5-carboxylate dehydrogenase deficiency; 1-PYRROLINE-5-CARBOXYLATE DEHYDROGENASE DEFICIENCY; Deficiency of pyrroline-5-carboxylate reductase. Identifiers: Orphanet 79101, MedGen C2931835, MONDO:0009401, OMIM 239510.

gnomAD v4.1: 22 of 1,608,816 alleles (0.0014%); highest among the groups gnomAD compares: African/African-American, 0.004%; no homozygotes.

Submission:

Labcorp Genetics (formerly Invitae), Labcorp
Classification: Uncertain significance for Hyperprolinemia type 2. Last evaluated: 2024-12-12. Review status: criteria provided, single submitter. Criteria: Invitae Variant Classification Sherloc (09022015). Collection method: clinical testing. Allele origin: germline.
Comment: This sequence change replaces serine, which is neutral and polar, with phenylalanine, which is neutral and non-polar, at codon 409 of the ALDH4A1 protein (p.Ser409Phe). This variant is present in population databases (rs377173835, gnomAD 0.0009%). This variant has not been reported in the literature in individuals affected with ALDH4A1-related conditions. An algorithm developed to predict the effect of missense changes on protein structure and function (PolyPhen-2) suggests that this variant is likely to be disruptive. In summary, the available evidence is currently insufficient to determine the role of this variant in disease. Therefore, it has been classified as a Variant of Uncertain Significance.